The following is an entry in ClinVar:

NM_002830.4(PTPN4):c.246+1G>T

Gene: PTPN4 (protein tyrosine phosphatase non-receptor type 4; plus strand). Cytogenetic location: 2q14.2.
Variant type: single nucleotide variant.
Coding change: c.246+1G>T on transcript NM_002830.4 (MANE Select); the canonical splice donor site of the intron after coding-DNA position 246, G replaced by T.
Molecular consequence: splice donor variant.
Genome position (GRCh38, 1-based): chr2:119,862,644, G>T. VCF-style: chr2-119862644-G-T. GRCh37 (hg19) VCF-style: chr2-120620220-G-T.
Identifiers: ClinVar variation 2817448 (VCV002817448.3), dbSNP rs917654500, ClinGen allele CA348185454.
Genomic context (GRCh38, chr2:119,862,644, plus strand): 5'-GATTTGACTGAGCAGGACTATTTTGGTTTACAGTTGGCTGATGATTCCACAGATAACCCA[G>T]TAAGTGTAAGATTTTGTCTTTCATTTTCATTTAGTTTTTCCTCTCAGTTTAGTGTAGAAA-3'

ClinVar aggregate classification (germline): Likely pathogenic (1 of 4 stars; one submission).

Allele frequency attached by ClinVar (database versions not stated): gnomAD exomes below 0.00001.
gnomAD v4.1: 1 of 1,596,466 alleles (0.000063%); highest among the groups gnomAD compares: South Asian, 0.0011%; no homozygotes.

Submission:

Labcorp Genetics (formerly Invitae), Labcorp
Classification: Likely pathogenic. Last evaluated: 2022-11-29. Review status: criteria provided, single submitter. Criteria: Invitae Variant Classification Sherloc (09022015). Collection method: clinical testing. Allele origin: germline.
Comment: In summary, the currently available evidence indicates that the variant is pathogenic, but additional data are needed to prove that conclusively. Therefore, this variant has been classified as Likely Pathogenic. Algorithms developed to predict the effect of sequence changes on RNA splicing suggest that this variant may disrupt the consensus splice site. This variant has not been reported in the literature in individuals affected with PTPN4-related conditions. This variant is not present in population databases (gnomAD no frequency). This sequence change affects a donor splice site in intron 3 of the PTPN4 gene. It is expected to disrupt RNA splicing. Variants that disrupt the donor or acceptor splice site typically lead to a loss of protein function (PMID: 16199547), and loss-of-function variants in PTPN4 are known to be pathogenic (PMID: 34527963).

Literature cited by the submitters: PubMed 16199547; PubMed 34527963.